The following is an entry in ClinVar:

ClinVar aggregate classification (germline): Uncertain significance. Review status: criteria provided, multiple submitters, no conflicts (2 of 4 stars). 4 submissions from 4 submitters: Uncertain significance (3). 1 of the submissions does not count toward it. Last evaluated 2022-07-26.

Conditions:
Charcot-Marie-Tooth disease. Also called: Charcot-Marie-Tooth Hereditary Neuropathy; Charcot-Marie-Tooth Neuropathy. Identifiers: Orphanet 166, MedGen C0007959, MONDO:0015626.
Charcot-Marie-Tooth disease axonal type 2F (CMT2F). Also called: CHARCOT-MARIE-TOOTH DISEASE, NEURONAL, TYPE 2F; Charcot-Marie-Tooth Neuropathy Type 2F. Identifiers: Orphanet 99940, MedGen C1847823, MONDO:0011687, OMIM 606595.

Allele frequency attached by ClinVar (database versions not stated): ExAC 0.00001; gnomAD 0.00001; gnomAD exomes 0.00002; TOPMed 0.00002.

Submissions (4):

GeneDx
Classification: Uncertain significance. Last evaluated: 2022-07-26. Review status: criteria provided, single submitter. Criteria: GeneDx Variant Classification Process June 2021. Collection method: clinical testing. Allele origin: germline. Affected: yes.
Comment: Frameshift variant predicted to result in protein elongation, as the last 15 amino acids are replaced with 35 different amino acids; Not observed at a significant frequency in large population cohorts (gnomAD); Has not been previously published as pathogenic or benign to our knowledge

Labcorp Genetics (formerly Invitae), Labcorp
Classification: Uncertain significance for Charcot-Marie-Tooth disease axonal type 2F. Last evaluated: 2022-07-12. Review status: criteria provided, single submitter. Criteria: Invitae Variant Classification Sherloc (09022015). Collection method: clinical testing. Allele origin: germline.
Comment: This sequence change results in a frameshift in the HSPB1 gene (p.Leu191Glnfs*36). While this is not anticipated to result in nonsense mediated decay, it is expected to disrupt the last 15 amino acid(s) of the HSPB1 protein and extend the protein by 20 additional amino acid residues. This variant is present in population databases (rs771457306, gnomAD 0.004%). This variant has not been reported in the literature in individuals affected with HSPB1-related conditions. ClinVar contains an entry for this variant (Variation ID: 503828). Experimental studies and prediction algorithms are not available or were not evaluated, and the functional significance of this variant is currently unknown. In summary, the available evidence is currently insufficient to determine the role of this variant in disease. Therefore, it has been classified as a Variant of Uncertain Significance.

Molecular Genetics Laboratory, London Health Sciences Centre
Classification: Uncertain significance for Charcot-Marie-Tooth disease. Review status: criteria provided, single submitter. Criteria: ACMG Guidelines, 2015. Collection method: clinical testing. Allele origin: germline. Affected: yes.

Genesis Genome Database
Classification: Uncertain significance for Charcot-Marie-Tooth disease. Last evaluated: 2019-08-14. Review status: no assertion criteria provided. Collection method: research. Allele origin: germline. Affected: yes. Not counted in ClinVar's aggregate classification.

NM_001540.5(HSPB1):c.572_584del (p.Leu191fs)

Gene: HSPB1 (heat shock protein family B (small) member 1; plus strand). Cytogenetic location: 7q11.23.
Variant type: Deletion.
Coding change: c.572_584del on transcript NM_001540.5 (MANE Select); coding-DNA positions 572 to 584, 13 bases deleted (TTGGGGGCCCAGA).
Protein change: p.Leu191fs; shifts the reading frame from leucine 191.
Molecular consequence: frameshift variant.
Genome position (GRCh38, 1-based): chr7:76,304,127-76,304,139, TTGGGGGCCCAGA deleted. VCF-style (leftmost placement, unchanged base first): chr7-76304126-CTTGGGGGCCCAGA-C. GRCh37 (hg19) VCF-style: chr7-75933443-CTTGGGGGCCCAGA-C.
Other names: c.572_584del (NM_001540.3, LRG_248t1); short protein forms L191fs.
Identifiers: ClinVar variation 503828 (VCV000503828.13), dbSNP rs771457306, ClinGen allele CA4306449.
Genomic context (GRCh38, chr7:76,304,126, plus strand): 5'-AAGCTAGCCACGCAGTCCAACGAGATCACCATCCCAGTCACCTTCGAGTCGCGGGCCCAG[CTTGGGGGCCCAGA>C]AGCTGCAAAATCCGATGAGACTGCCGCCAAGTAAAGCCTTAGCCCGGATGCCCACCCCTG-3'